The following is an entry in ClinVar:

ClinVar aggregate classification (germline): Pathogenic (1 of 4 stars; one submission).

Submission:

Labcorp Genetics (formerly Invitae), Labcorp
Classification: Pathogenic. Last evaluated: 2021-01-05. Review status: criteria provided, single submitter. Criteria: Invitae Variant Classification Sherloc (09022015). Collection method: clinical testing. Allele origin: germline.
Comment: For these reasons, this variant has been classified as Pathogenic. This variant has not been reported in the literature in individuals with JARID2-related conditions. This variant is not present in population databases (ExAC no frequency). This sequence change creates a premature translational stop signal (p.Thr672Ilefs*2) in the JARID2 gene. It is expected to result in an absent or disrupted protein product. Loss-of-function variants in JARID2 are known to be pathogenic (PMID: 33077894).

Literature cited by the submitters: PubMed 33077894.

NM_004973.4(JARID2):c.2014_2015insT (p.Thr672fs)

Gene: JARID2 (jumonji and AT-rich interaction domain containing 2; plus strand). Cytogenetic location: 6p22.3.
Variant type: Insertion.
Coding change: c.2014_2015insT on transcript NM_004973.4 (MANE Select); coding-DNA positions 2014 to 2015, T inserted.
Protein change: p.Thr672fs; shifts the reading frame from threonine 672.
Molecular consequence: frameshift variant.
Genome position: GRCh38 VCF-style: chr6-15500975-A-AT. GRCh37 (hg19) VCF-style: chr6-15501206-A-AT.
Other names: c.1498_1499insT, p.Thr500fs (NM_001267040.1); short protein forms T672fs, T500fs.
Identifiers: ClinVar variation 1384760 (VCV001384760.6), dbSNP rs2127743491, ClinGen allele CA2573140155.